The following is an entry in ClinVar:

NM_022356.4(P3H1):c.2131dup (p.Leu711fs)

Gene: P3H1 (prolyl 3-hydroxylase 1; minus strand). Cytogenetic location: 1p34.2.
Variant type: Duplication.
Coding change: c.2131dup on transcript NM_022356.4 (MANE Select); coding-DNA position 2131, one base duplicated (C; older notation c.2131dupC).
Protein change: p.Leu711fs; shifts the reading frame from leucine 711.
Molecular consequence: frameshift variant. On other transcripts: 3 prime UTR variant (2).
Genome position (GRCh38, 1-based): chr1:42,746,777, G duplicated on the plus strand (C on the coding strand, the reverse complement: P3H1 is on the minus strand); the first of 4 consecutive G bases (chr1:42,746,777-42,746,780); duplicating any one gives the same sequence. VCF-style (leftmost placement, unchanged base first): chr1-42746776-A-AG. GRCh37 (hg19) VCF-style: chr1-43212447-A-AG.
Other names: c.*56dup (NM_001146289.2); c.*135dup (NM_001243246.2); short protein forms L711fs.
Identifiers: ClinVar variation 684744 (VCV000684744.9), dbSNP rs1570452407, ClinGen allele CA915941218.

ClinVar aggregate classification (germline): Pathogenic/Likely pathogenic. Review status: criteria provided, multiple submitters, no conflicts (2 of 4 stars). 3 submissions from 3 submitters: Pathogenic (1); Likely pathogenic (2). Last evaluated 2023-04-11.

Conditions:
Osteogenesis imperfecta type III (OI3). Also called: Osteogenesis imperfecta type 3; OI type 3; Osteogenesis imperfecta, progressively deforming with normal sclerae; OI type III; Progressively Deforming Osteogenesis Imperfecta. Identifiers: Orphanet 216812, Orphanet 666, MedGen C0268362, MONDO:0009804, OMIM 259420.
Osteogenesis imperfecta type 8 (OI8). Identifiers: MedGen C1970458, MONDO:0012581, OMIM 610915.

Submissions (3):

Genome-Nilou Lab
Classification: Likely pathogenic for Osteogenesis imperfecta type 8. Last evaluated: 2023-04-11. Review status: criteria provided, single submitter. Criteria: ACMG Guidelines, 2015. Collection method: clinical testing. Allele origin: germline. Affected: no.

Labcorp Genetics (formerly Invitae), Labcorp
Classification: Pathogenic for Osteogenesis imperfecta type 8. Last evaluated: 2022-03-02. Review status: criteria provided, single submitter. Criteria: Invitae Variant Classification Sherloc (09022015). Collection method: clinical testing. Allele origin: germline.
Comment: This variant is not present in population databases (gnomAD no frequency). For these reasons, this variant has been classified as Pathogenic. This variant disrupts a region of the P3H1 protein in which other variant(s) (p.Glu719Argfs*11) have been determined to be pathogenic (PMID: 22615817, 27864101; Invitae). This suggests that this is a clinically significant region of the protein, and that variants that disrupt it are likely to be disease-causing. ClinVar contains an entry for this variant (Variation ID: 684744). This premature translational stop signal has been observed in individual(s) with osteogenesis imperfecta (PMID: 32770541). This sequence change creates a premature translational stop signal (p.Leu711Profs*19) in the P3H1 gene. While this is not anticipated to result in nonsense mediated decay, it is expected to disrupt the last 26 amino acid(s) of the P3H1 protein.

Paediatric Orthopaedics Research Lab, Christian Medical College
Classification: Likely pathogenic for Osteogenesis imperfecta type III. Last evaluated: 2019-01-18. Review status: criteria provided, single submitter. Criteria: ACMG Guidelines, 2015. Collection method: research. Allele origin: germline. Affected: yes. Observed: 1 variant allele.

Literature cited by the submitters: PubMed 22615817 (cited by Labcorp Genetics (formerly Invitae), Labcorp); PubMed 27864101 (cited by Labcorp Genetics (formerly Invitae), Labcorp); PubMed 32770541 (cited by Labcorp Genetics (formerly Invitae), Labcorp).